The following is an entry in ClinVar:

NM_000044.6(AR):c.2318A>G (p.Glu773Gly)

Gene: AR (androgen receptor; plus strand). Cytogenetic location: Xq12.
Variant type: single nucleotide variant.
Coding change: c.2318A>G on transcript NM_000044.6 (MANE Select); coding-DNA position 2318, A replaced by G.
Protein change: p.Glu773Gly; replaces glutamic acid 773 with glycine.
Molecular consequence: missense variant.
Genome position (GRCh38, 1-based): chrX:67,717,622, A>G. VCF-style: chrX-67717622-A-G. GRCh37 (hg19) VCF-style: chrX-66937464-A-G.
Other names: c.722A>G, p.Glu241Gly (NM_001011645.3); short protein forms E241G, E773G.
Identifiers: ClinVar variation 1480317 (VCV001480317.8), dbSNP rs2076119092, ClinGen allele CA413424808.

ClinVar aggregate classification (germline): Likely pathogenic (1 of 4 stars; one submission).

Conditions:
Kennedy disease (SMAX1). Also called: SPINAL AND BULBAR MUSCULAR ATROPHY, X-LINKED 1; KENNEDY SPINAL AND BULBAR MUSCULAR ATROPHY; Spinal and Bulbar Muscular Atrophy. Identifiers: Orphanet 481, MedGen C1839259, MONDO:0010735, OMIM 313200.
Androgen resistance syndrome (AIS). Also called: ANDROGEN RECEPTOR DEFICIENCY; DIHYDROTESTOSTERONE RECEPTOR DEFICIENCY; Androgen insensitivity; DHTR DEFICIENCY; TESTICULAR FEMINIZATION SYNDROME; Androgen insensitivity syndrome. Identifiers: Orphanet 754, Orphanet 99429, MedGen C0039585, MONDO:0019154, OMIM 300068. Disease mechanism: loss of function.

Submission:

Labcorp Genetics (formerly Invitae), Labcorp
Classification: Likely pathogenic for Kennedy disease; Androgen resistance syndrome. Last evaluated: 2021-06-15. Review status: criteria provided, single submitter. Criteria: Invitae Variant Classification Sherloc (09022015). Collection method: clinical testing. Allele origin: germline.
Comment: This variant disrupts the p.Glu773 amino acid residue in AR. Other variant(s) that disrupt this residue have been observed in individuals with AR-related conditions (PMID: 10022458, Invitae), which suggests that this may be a clinically significant amino acid residue. This sequence change replaces glutamic acid with glycine at codon 773 of the AR protein (p.Glu773Gly). The glutamic acid residue is moderately conserved and there is a moderate physicochemical difference between glutamic acid and glycine. This variant is not present in population databases (ExAC no frequency). This variant has been observed in individual(s) with partial androgen insensitivity syndrome (PMID: 9196614, Invitae). This variant is also known as p.Glu772Gly. Algorithms developed to predict the effect of missense changes on protein structure and function are either unavailable or do not agree on the potential impact of this missense change (SIFT: "Deleterious"; PolyPhen-2: "Probably Damaging"; Align-GVGD: "Class C0"). Algorithms developed to predict the effect of sequence changes on RNA splicing suggest that this variant may create or strengthen a splice site, but this prediction has not been confirmed by published transcriptional studies. In summary, the currently available evidence indicates that the variant is pathogenic, but additional data are needed to prove that conclusively. Therefore, this variant has been classified as Likely Pathogenic.

Literature cited by the submitters: PubMed 10022458; PubMed 9196614.